The following is an entry in ClinVar:

ClinVar aggregate classification (germline): Pathogenic (1 of 4 stars; one submission).

Conditions:
Ehlers-Danlos syndrome, dermatosparaxis type. Also called: EDS VIIC; Dermatosparaxis; Ehlers-Danlos syndrome, type VII, autosomal recessive. Identifiers: Orphanet 1901, MedGen C2700425, MONDO:0009161, OMIM 225410.

Submission:

Myriad Genetics, Inc.
Classification: Pathogenic for Ehlers-Danlos syndrome, dermatosparaxis type. Last evaluated: 2024-05-14. Review status: criteria provided, single submitter. Criteria: Myriad Autosomal Dominant, Autosomal Recessive and X-Linked Classification Criteria (2023). Collection method: clinical testing. Allele origin: unknown.
Comment: NM_014244.4(ADAMTS2):c.946del1ins15(V316Sfs*11) is expected to be pathogenic in the context of Ehlers-Danlos syndrome, ADAMTS2-related. This variant is predicted to lead to an abnormal or absent protein product due to the creation of a premature termination codon in ADAMTS2, a gene where loss-of-function variants are known to be pathogenic. Please note: this variant was assessed in the context of healthy population screening.

NM_014244.5(ADAMTS2):c.946delinsTCTCTTATACACATC (p.Val316fs)

Gene: ADAMTS2 (ADAM metallopeptidase with thrombospondin type 1 motif 2; minus strand). Cytogenetic location: 5q35.3.
Variant type: Indel.
Coding change: c.946delinsTCTCTTATACACATC on transcript NM_014244.5 (MANE Select); coding-DNA position 946, G replaced by TCTCTTATACACATC.
Protein change: p.Val316fs; shifts the reading frame from valine 316.
Molecular consequence: frameshift variant.
Genome position (GRCh38, 1-based): chr5:179,181,101, C replaced by GATGTGTATAAGAGA on the plus strand (G replaced by TCTCTTATACACATC on the coding strand, the reverse complement: ADAMTS2 is on the minus strand). VCF-style: chr5-179181101-C-GATGTGTATAAGAGA. GRCh37 (hg19) VCF-style: chr5-178608102-C-GATGTGTATAAGAGA.
Other names: c.946delinsTCTCTTATACACATC, p.Val316fs (NM_021599.4); short protein forms V316fs.
Identifiers: ClinVar variation 5011058 (VCV005011058.1).